The following is an entry in ClinVar:

ClinVar aggregate classification (germline): Uncertain significance (1 of 4 stars; one submission).

gnomAD v4.1: 19 of 1,613,992 alleles (0.0012%); highest among the groups gnomAD compares: East Asian, 0.0067%; no homozygotes.

Submission:

Labcorp Genetics (formerly Invitae), Labcorp
Classification: Uncertain significance. Last evaluated: 2026-01-21. Review status: criteria provided, single submitter. Criteria: Invitae Variant Classification Sherloc (09022015). Collection method: clinical testing. Allele origin: germline.
Comment: This sequence change replaces arginine, which is basic and polar, with tryptophan, which is neutral and slightly polar, at codon 374 of the SYNPO protein (p.Arg374Trp). The frequency data for this variant in the population databases is considered unreliable, as metrics indicate poor data quality at this position in the gnomAD database. This variant has not been reported in the literature in individuals affected with SYNPO-related conditions. ClinVar contains an entry for this variant (Variation ID: 3698457). An algorithm developed to predict the effect of missense changes on protein structure and function (PolyPhen-2) suggests that this variant is likely to be disruptive. In summary, the available evidence is currently insufficient to determine the role of this variant in disease. Therefore, it has been classified as a Variant of Uncertain Significance.

NM_007286.6(SYNPO):c.1120C>T (p.Arg374Trp)

Gene: SYNPO (synaptopodin; plus strand). Cytogenetic location: 5q33.1.
Variant type: single nucleotide variant.
Coding change: c.1120C>T on transcript NM_007286.6 (MANE Select); coding-DNA position 1120, C replaced by T.
Protein change: p.Arg374Trp; replaces arginine 374 with tryptophan.
Molecular consequence: missense variant.
Genome position (GRCh38, 1-based): chr5:150,649,395, C>T. VCF-style: chr5-150649395-C-T. GRCh37 (hg19) VCF-style: chr5-150028957-C-T.
Other names: c.1120C>T, p.Arg374Trp (NM_001109974.3); c.1852C>T, p.Arg618Trp (NM_001166208.2, NM_001166209.2); short protein forms R374W, R618W.
Identifiers: ClinVar variation 3698457 (VCV003698457.2).